The following is an entry in ClinVar:

ClinVar aggregate classification (germline): Pathogenic (1 of 4 stars; one submission).

Allele frequency attached by ClinVar (database versions not stated): ExAC 0.00001; gnomAD exomes 0.00001; gnomAD 0.00004; TOPMed 0.00004.

Submission:

Labcorp Genetics (formerly Invitae), Labcorp
Classification: Pathogenic. Last evaluated: 2023-10-07. Review status: criteria provided, single submitter. Criteria: Invitae Variant Classification Sherloc (09022015). Collection method: clinical testing. Allele origin: germline.
Comment: This sequence change creates a premature translational stop signal (p.Val53Serfs*12) in the NARS2 gene. It is expected to result in an absent or disrupted protein product. Loss-of-function variants in NARS2 are known to be pathogenic (PMID: 25807530, 26402642). This variant is present in population databases (rs763951474, gnomAD 0.007%). This variant has not been reported in the literature in individuals affected with NARS2-related conditions. For these reasons, this variant has been classified as Pathogenic.

Literature cited by the submitters: PubMed 25807530; PubMed 26402642.

NM_024678.6(NARS2):c.157del (p.Val53fs)

Gene: NARS2 (asparaginyl-tRNA synthetase 2, mitochondrial; minus strand). Cytogenetic location: 11q14.1.
Variant type: Deletion.
Coding change: c.157del on transcript NM_024678.6 (MANE Select); coding-DNA position 157, one base deleted (G; older notation c.157delG).
Protein change: p.Val53fs; shifts the reading frame from valine 53.
Molecular consequence: frameshift variant. On other transcripts: 5 prime UTR variant (1).
Genome position (GRCh38, 1-based): chr11:78,571,429, C deleted on the plus strand (G on the coding strand, the reverse complement: NARS2 is on the minus strand). VCF-style (leftmost placement, unchanged base first): chr11-78571428-AC-A. GRCh37 (hg19) VCF-style: chr11-78282473-AC-A.
Other names: c.-597delG (NM_001425312.1); c.-525delG (NM_001425313.1, NM_001425314.1, NM_001425310.1); c.-525del (NM_001243251.2); c.157delG, p.Val53Serfs (NM_001425299.1, NM_001425300.1, NM_001425301.1 and 7 more transcripts); c.-400delG (NM_001425311.1); short protein forms V53fs.
Identifiers: ClinVar variation 2986511 (VCV002986511.3), dbSNP rs763951474, ClinGen allele CA6205931.